The following is an entry in ClinVar:

NM_001040108.2(MLH3):c.2054A>G (p.Asn685Ser)

Gene: MLH3 (mutL homolog 3; minus strand). Cytogenetic location: 14q24.3.
Variant type: single nucleotide variant.
Coding change: c.2054A>G on transcript NM_001040108.2 (MANE Select); coding-DNA position 2054, A replaced by G.
Protein change: p.Asn685Ser; replaces asparagine 685 with serine.
Molecular consequence: missense variant.
Genome position (GRCh38, 1-based): chr14:75,047,602, T>C on the plus strand (A>G on the coding strand, the complement: MLH3 is on the minus strand). VCF-style: chr14-75047602-T-C. GRCh37 (hg19) VCF-style: chr14-75514305-T-C.
Other names: c.2054A>G, p.Asn685Ser (NM_014381.3); short protein forms N685S.
Identifiers: ClinVar variation 3232470 (VCV003232470.1), dbSNP rs2503279771, ClinGen allele CA390443226.

ClinVar aggregate classification (germline): Uncertain significance (1 of 4 stars; one submission).

Submission:

Ambry Genetics
Classification: Uncertain significance. Last evaluated: 2023-10-01. Review status: criteria provided, single submitter. Criteria: Ambry Variant Classification Scheme 2023. Collection method: clinical testing. Allele origin: germline.
Comment: The p.N685S variant (also known as c.2054A>G), located in coding exon 1 of the MLH3 gene, results from an A to G substitution at nucleotide position 2054. The asparagine at codon 685 is replaced by serine, an amino acid with highly similar properties. This amino acid position is conserved. In addition, this alteration is predicted to be tolerated by in silico analysis. Since supporting evidence is limited at this time, the clinical significance of this alteration remains unclear.